The following is an entry in ClinVar:

NM_000621.5(HTR2A):c.1340C>T (p.Ala447Val)

Gene: HTR2A (5-hydroxytryptamine receptor 2A; minus strand). Cytogenetic location: 13q14.2.
Variant type: single nucleotide variant.
Coding change: c.1340C>T on transcript NM_000621.5 (MANE Select); coding-DNA position 1340, C replaced by T.
Protein change: p.Ala447Val; replaces alanine 447 with valine.
Molecular consequence: missense variant.
Genome position (GRCh38, 1-based): chr13:46,834,913, G>A on the plus strand (C>T on the coding strand, the complement: HTR2A is on the minus strand). VCF-style: chr13-46834913-G-A. GRCh37 (hg19) VCF-style: chr13-47409048-G-A.
Other names: c.851C>T, p.Ala284Val (NM_001165947.5); c.1340C>T, p.Ala447Val (NM_001378924.1); short protein forms A447V, A284V.
Identifiers: ClinVar variation 778992 (VCV000778992.6), dbSNP rs6308, ClinGen allele CA6977503.

ClinVar aggregate classification (germline): Likely benign. Review status: criteria provided, multiple submitters, no conflicts (2 of 4 stars). 3 submissions from 3 submitters: Likely benign (2). 1 of the submissions does not count toward it. Last evaluated 2018-07-19.

Conditions:
HTR2A-related disorder. Also called: HTR2A-related condition.

Allele frequency attached by ClinVar (database versions not stated): 1000 Genomes Project 30x 0.00094; 1000 Genomes Project 0.00100; ExAC 0.00148; gnomAD exomes 0.00153 and 0.00237; gnomAD 0.00154 and 0.00175; TOPMed 0.00179; ESP Exome Variant Server 0.00208.
gnomAD v4.1: 3,694 of 1,614,018 alleles (0.23%); highest among the groups gnomAD compares: Non-Finnish European, 0.29%; 8 homozygotes.

Submissions (3):

Labcorp Genetics (formerly Invitae), Labcorp
Classification: Likely benign. Last evaluated: 2018-07-19. Review status: criteria provided, single submitter. Criteria: Invitae Variant Classification Sherloc (09022015). Collection method: clinical testing. Allele origin: germline.

Breakthrough Genomics
Classification: Likely benign. Review status: criteria provided, single submitter. Criteria: ACMG Guidelines, 2015. Collection method: not provided. Allele origin: germline. Inheritance: Autosomal dominant inheritance. Affected: yes.

PreventionGenetics, part of Exact Sciences
Classification: Likely benign for HTR2A-related condition. Last evaluated: 2020-05-12. Review status: no assertion criteria provided. Collection method: clinical testing. Allele origin: germline. Not counted in ClinVar's aggregate classification.
Comment: This variant is classified as likely benign based on ACMG/AMP sequence variant interpretation guidelines (Richards et al. 2015 PMID: 25741868, with internal and published modifications).